The following is an entry in ClinVar:

NM_001278716.2(FBXL4):c.961A>C (p.Ile321Leu)

Gene: FBXL4 (F-box and leucine rich repeat protein 4; minus strand). Cytogenetic location: 6q16.2.
Variant type: single nucleotide variant.
Coding change: c.961A>C on transcript NM_001278716.2 (MANE Select); coding-DNA position 961, A replaced by C.
Protein change: p.Ile321Leu; replaces isoleucine 321 with leucine.
Molecular consequence: missense variant. On other transcripts: non-coding transcript variant (2).
Genome position (GRCh38, 1-based): chr6:98,905,568, T>G on the plus strand (A>C on the coding strand, the complement: FBXL4 is on the minus strand). VCF-style: chr6-98905568-T-G. GRCh37 (hg19) VCF-style: chr6-99353444-T-G.
Other names: c.961A>C, p.Ile321Leu (NM_012160.5); short protein forms I321L.
Identifiers: ClinVar variation 437666 (VCV000437666.1), dbSNP rs765148228, ClinGen allele CA3933573.

ClinVar aggregate classification (germline): Uncertain significance (1 of 4 stars; one submission).

Conditions:
Mitochondrial DNA depletion syndrome 13. Also called: FBXL4-Related Encephalomyopathic Mitochondrial DNA Depletion Syndrome; Mitochondrial DNA depletion syndrome 13 (encephalomyopathic type). Identifiers: Orphanet 369897, MedGen C3809592, MONDO:0014198, OMIM 615471.

gnomAD v4.1: 2 of 1,614,016 alleles (0.00012%); highest among the groups gnomAD compares: South Asian, 0.0022%; no homozygotes.

Submission:

Wong Mito Lab, Molecular and Human Genetics, Baylor College of Medicine
Classification: Uncertain significance for Mitochondrial DNA depletion syndrome 13. Last evaluated: 2017-08-10. Review status: criteria provided, single submitter. Criteria: ACMG Guidelines, 2015. Collection method: reference population. Allele origin: germline.
Comment: The NM_012160.4:c.961A>C (NP_036292.2:p.Ile321Leu) [GRCH38: NC_000006.12:g.98905568T>G] variant in FBXL4 gene is interpretated to be a Uncertain Significance - Conflicting Evidence based on ACMG guidelines (PMID: 25741868). This variant meets one or more of the following evidence codes reported in the ACMG-guideline. PM2:This variant is absent in key population databases. BP4:Computational evidence/predictors indicate no impact on the FBXL4 structure, function, or protein-protein interaction. Based on this evidence code ClinGen Pathogenicity Calculator (PMID:28081714) suggested that the variant is Uncertain Significance - Conflicting Evidence.